The following is an entry in ClinVar:

ClinVar aggregate classification (germline): Uncertain significance (1 of 4 stars; one submission).

Conditions:
Cardiovascular phenotype. Identifiers: MedGen CN230736.

Submission:

Ambry Genetics
Classification: Uncertain significance for Cardiovascular phenotype. Last evaluated: 2025-07-22. Review status: criteria provided, single submitter. Criteria: Ambry Variant Classification Scheme 2023. Collection method: clinical testing. Allele origin: germline.
Comment: The p.T274A variant (also known as c.820A>G), located in coding exon 1 of the FOXE3 gene, results from an A to G substitution at nucleotide position 820. The threonine at codon 274 is replaced by alanine, an amino acid with similar properties. This amino acid position is conserved. In addition, this alteration is predicted to be tolerated by in silico analysis. Based on the available evidence, the clinical significance of this variant remains unclear.

NM_012186.3(FOXE3):c.820A>G (p.Thr274Ala)

Genes: LINC01389 (long intergenic non-protein coding RNA 1389; minus strand), FOXE3 (forkhead box E3; plus strand). Cytogenetic location: 1p33.
Variant type: single nucleotide variant.
Coding change: c.820A>G on transcript NM_012186.3 (MANE Select); coding-DNA position 820, A replaced by G.
Protein change: p.Thr274Ala; replaces threonine 274 with alanine.
Molecular consequence: missense variant.
Genome position (GRCh38, 1-based): chr1:47,417,135, A>G. VCF-style: chr1-47417135-A-G. GRCh37 (hg19) VCF-style: chr1-47882807-A-G.
Other names: short protein forms T274A.
Identifiers: ClinVar variation 4259176 (VCV004259176.1).